The following is an entry in ClinVar:

NM_177438.3(DICER1):c.1873G>A (p.Val625Ile)

Gene: DICER1 (dicer 1, ribonuclease III; minus strand). Cytogenetic location: 14q32.13.
Variant type: single nucleotide variant.
Coding change: c.1873G>A on transcript NM_177438.3 (MANE Select); coding-DNA position 1873, G replaced by A.
Protein change: p.Val625Ile; replaces valine 625 with isoleucine.
Molecular consequence: missense variant. On other transcripts: non-coding transcript variant (6).
Genome position (GRCh38, 1-based): chr14:95,115,701, C>T on the plus strand (G>A on the coding strand, the complement: DICER1 is on the minus strand). VCF-style: chr14-95115701-C-T. GRCh37 (hg19) VCF-style: chr14-95582038-C-T.
Other names: c.1873G>A, p.Val625Ile (NM_001395682.1, NM_001395683.1, NM_001395684.1 and 12 more transcripts); c.1591G>A, p.Val531Ile (NM_001395686.1); c.1468G>A, p.Val490Ile (NM_001395687.1, NM_001395688.1, NM_001395689.1 and 3 more transcripts); c.1306G>A, p.Val436Ile (NM_001395691.1); c.190G>A, p.Val64Ile (NM_001395697.1); short protein forms V490I, V64I, V436I, V531I, V625I.
Identifiers: ClinVar variation 4011677 (VCV004011677.1).
Genomic context (GRCh38, chr14:95,115,701, plus strand): 5'-TCCACACAAATGATATGATGCCATACCTATTGATGTGTCCAATGGCCGTGTTGATTGTGA[C>T]TCGTGGACCACCATCGTCAGGCCTCAACACATATGGTGGGAAAACGTCATCATCATCCAT-3'
Protein context (NP_803187.1, residues 615-635): VLRPDDGGPR[Val625Ile]TINTAIGHIN

ClinVar aggregate classification (germline): Uncertain significance (1 of 4 stars; one submission).

Conditions:
Hereditary cancer-predisposing syndrome. Also called: Tumor predisposition; Hereditary neoplastic syndrome; Neoplastic Syndromes, Hereditary; Hereditary Cancer Syndrome. Identifiers: Orphanet 140162, MedGen C0027672, MeSH D009386, MONDO:0015356.

Submission:

Ambry Genetics
Classification: Uncertain significance for Hereditary cancer-predisposing syndrome. Last evaluated: 2025-05-31. Review status: criteria provided, single submitter. Criteria: Ambry Variant Classification Scheme 2023. Collection method: clinical testing. Allele origin: germline.
Comment: The p.V625I variant (also known as c.1873G>A), located in coding exon 10 of the DICER1 gene, results from a G to A substitution at nucleotide position 1873. The valine at codon 625 is replaced by isoleucine, an amino acid with highly similar properties. This amino acid position is conserved. In addition, this alteration is predicted to be tolerated by in silico analysis. Based on the available evidence, the clinical significance of this variant remains unclear.